The following is an entry in ClinVar:

NM_004336.5(BUB1):c.401A>T (p.Glu134Val)

Gene: BUB1 (BUB1 mitotic checkpoint serine/threonine kinase; minus strand). Cytogenetic location: 2q13.
Variant type: single nucleotide variant.
Coding change: c.401A>T on transcript NM_004336.5 (MANE Select); coding-DNA position 401, A replaced by T.
Protein change: p.Glu134Val; replaces glutamic acid 134 with valine.
Molecular consequence: missense variant.
Genome position (GRCh38, 1-based): chr2:110,672,682, T>A on the plus strand (A>T on the coding strand, the complement: BUB1 is on the minus strand). VCF-style: chr2-110672682-T-A. GRCh37 (hg19) VCF-style: chr2-111430259-T-A.
Other names: c.341A>T, p.Glu114Val (NM_001278616.2); c.401A>T, p.Glu134Val (NM_001278617.2); short protein forms E114V, E134V.
Identifiers: ClinVar variation 3482998 (VCV003482998.1).

ClinVar aggregate classification (germline): Uncertain significance (1 of 4 stars; one submission).

Submission:

Ambry Genetics
Classification: Uncertain significance. Last evaluated: 2024-08-31. Review status: criteria provided, single submitter. Criteria: Ambry Variant Classification Scheme 2023. Collection method: clinical testing. Allele origin: germline.
Comment: The p.E134V variant (also known as c.401A>T), located in coding exon 4 of the BUB1 gene, results from an A to T substitution at nucleotide position 401. The glutamic acid at codon 134 is replaced by valine, an amino acid with dissimilar properties. This amino acid position is conserved. In addition, the in silico prediction for this alteration is inconclusive. Based on the available evidence, the clinical significance of this variant remains unclear.